The following is an entry in ClinVar:

NM_025137.4(SPG11):c.114G>A (p.Met38Ile)

Gene: SPG11 (SPG11 vesicle trafficking associated, spatacsin; minus strand). Cytogenetic location: 15q21.1.
Variant type: single nucleotide variant.
Coding change: c.114G>A on transcript NM_025137.4 (MANE Select); coding-DNA position 114, G replaced by A.
Protein change: p.Met38Ile; replaces methionine 38 with isoleucine.
Molecular consequence: missense variant.
Genome position (GRCh38, 1-based): chr15:44,663,534, C>T on the plus strand (G>A on the coding strand, the complement: SPG11 is on the minus strand). VCF-style: chr15-44663534-C-T. GRCh37 (hg19) VCF-style: chr15-44955732-C-T.
Other names: c.114G>A, p.Met38Ile (NM_001160227.2); short protein forms M38I.
Identifiers: ClinVar variation 316117 (VCV000316117.10), dbSNP rs886051185, ClinGen allele CA10641961.

ClinVar aggregate classification (germline): Uncertain significance. Review status: criteria provided, multiple submitters, no conflicts (2 of 4 stars). 5 submissions from 3 submitters: Uncertain significance (5). Last evaluated 2021-08-27.

Conditions:
Amyotrophic lateral sclerosis type 5 (ALS5). Also called: AMYOTROPHIC LATERAL SCLEROSIS 5, JUVENILE. Identifiers: Orphanet 300605, MedGen C1865864, MONDO:0011196, OMIM 602099.
Charcot-Marie-Tooth disease axonal type 2X. Also called: CHARCOT-MARIE-TOOTH DISEASE, AXONAL, AUTOSOMAL RECESSIVE, TYPE 2X; CHARCOT-MARIE-TOOTH NEUROPATHY, TYPE 2X. Identifiers: Orphanet 466775, MedGen C5569024, MONDO:0014726, OMIM 616668.
Hereditary spastic paraplegia 11. Also called: SPASTIC PARAPLEGIA, AUTOSOMAL RECESSIVE, COMPLICATED, WITH THIN CORPUS CALLOSUM; SPASTIC PARAPLEGIA, AUTOSOMAL RECESSIVE, WITH MENTAL IMPAIRMENT AND THIN CORPUS CALLOSUM; Nakamura Osame syndrome; Autosomal recessive hereditary spastic paraplegia, mental impairment, and thin corpus callosum; Spastic paraplegia, mental retardation and thin corpus callosum; Spastic Paraplegia 11. Identifiers: Orphanet 2822, MedGen C1858479, MONDO:0011445, OMIM 604360.

Allele frequency attached by ClinVar (database versions not stated): gnomAD exomes 0.00001.
gnomAD v4.1: 7 of 1,599,034 alleles (0.00044%); highest among the groups gnomAD compares: Admixed American, 0.0034%; no homozygotes.

Submissions (5):

Labcorp Genetics (formerly Invitae), Labcorp
Classification: Uncertain significance for Hereditary spastic paraplegia 11. Last evaluated: 2021-08-27. Review status: criteria provided, single submitter. Criteria: Invitae Variant Classification Sherloc (09022015). Collection method: clinical testing. Allele origin: germline.
Comment: This sequence change replaces methionine with isoleucine at codon 38 of the SPG11 protein (p.Met38Ile). The methionine residue is weakly conserved and there is a small physicochemical difference between methionine and isoleucine. This variant is not present in population databases (ExAC no frequency). This variant has not been reported in the literature in individuals affected with SPG11-related conditions. ClinVar contains an entry for this variant (Variation ID: 316117). Algorithms developed to predict the effect of missense changes on protein structure and function output the following: SIFT: "Tolerated"; PolyPhen-2: "Benign"; Align-GVGD: "Class C0". The isoleucine amino acid residue is found in multiple mammalian species, which suggests that this missense change does not adversely affect protein function. In summary, the available evidence is currently insufficient to determine the role of this variant in disease. Therefore, it has been classified as a Variant of Uncertain Significance.

Illumina Laboratory Services, Illumina
Classification: Uncertain significance for Hereditary spastic paraplegia 11. Last evaluated: 2018-01-13. Review status: criteria provided, single submitter. Criteria: ICSL Variant Classification Criteria 13 December 2019. Collection method: clinical testing. Allele origin: germline.

Genome-Nilou Lab
Classification: Uncertain significance for Amyotrophic lateral sclerosis type 5. Review status: criteria provided, single submitter. Criteria: ACMG Guidelines, 2015. Collection method: clinical testing. Allele origin: germline.

Genome-Nilou Lab
Classification: Uncertain significance for Charcot-Marie-Tooth disease axonal type 2X. Review status: criteria provided, single submitter. Criteria: ACMG Guidelines, 2015. Collection method: clinical testing. Allele origin: germline.

Genome-Nilou Lab
Classification: Uncertain significance for Hereditary spastic paraplegia 11. Review status: criteria provided, single submitter. Criteria: ACMG Guidelines, 2015. Collection method: clinical testing. Allele origin: germline.